The following is an entry in ClinVar:

NM_003850.3(SUCLA2):c.285C>A (p.Val95=)

Gene: SUCLA2 (succinate-CoA ligase ADP-forming subunit beta; minus strand). Cytogenetic location: 13q14.2.
Variant type: single nucleotide variant.
Coding change: c.285C>A on transcript NM_003850.3 (MANE Select); coding-DNA position 285, C replaced by A.
Protein change: p.Val95=; no amino-acid change (valine 95 retained).
Molecular consequence: synonymous variant.
Genome position (GRCh38, 1-based): chr13:47,988,968, G>T on the plus strand (C>A on the coding strand, the complement: SUCLA2 is on the minus strand). VCF-style: chr13-47988968-G-T. GRCh37 (hg19) VCF-style: chr13-48563103-G-T.
Identifiers: ClinVar variation 2194782 (VCV002194782.28), dbSNP rs1329792379, ClinGen allele CA483555649.
Genomic context (GRCh38, chr13:47,988,968, plus strand): 5'-GAGGCCACTTTCAAATGTTCCTTTTCCTCTACCACCAGCTAAAACCTGTGCCTTTATCAC[G>T]ACATCTTTTGAACCTAGAAGAAAAACACTTCTATTAAATATGAAGCATGGAGCAGCATGC-3'
Protein context (NP_003841.1, residues 85-105): AIAKKLGSKD[Val95=]VIKAQVLAGG

ClinVar aggregate classification (germline): Likely benign. Review status: criteria provided, multiple submitters, no conflicts (2 of 4 stars). 2 submissions from 2 submitters: Likely benign (2). Last evaluated 2025-11-24.

Conditions:
Mitochondrial DNA depletion syndrome, encephalomyopathic form with methylmalonic aciduria (MTDPS5). Also called: SUCLA2-Related Mitochondrial DNA Depletion Syndrome, Encephalomyopathic Form with Methylmalonic Aciduria; Mitochondrial encephalomyopathy aminoacidopathy; Mitochondrial DNA depletion syndrome 5 (encephalomyopathic with or without methylmalonic aciduria); MITOCHONDRIAL DNA DEPLETION SYNDROME, ENCEPHALOMYOPATHIC FORM, WITH OR WITHOUT METHYLMALONIC ACIDURIA, AUTOSOMAL RECESSIVE, SUCLA2-RELATED. Identifiers: Orphanet 1933, MedGen C5980207, MONDO:0012791, OMIM 612073.

gnomAD v4.1: 2 of 1,613,268 alleles (0.00012%); highest among the groups gnomAD compares: Non-Finnish European, 0.00017%; no homozygotes.

Submissions (2):

Labcorp Genetics (formerly Invitae), Labcorp
Classification: Likely benign for Mitochondrial DNA depletion syndrome, encephalomyopathic form with methylmalonic aciduria. Last evaluated: 2025-11-24. Review status: criteria provided, single submitter. Criteria: Invitae Variant Classification Sherloc (09022015). Collection method: clinical testing. Allele origin: germline.

CeGaT Center for Human Genetics Tuebingen
Classification: Likely benign. Last evaluated: 2023-01-01. Review status: criteria provided, single submitter. Criteria: CeGaT Center For Human Genetics Tuebingen Variant Classification Criteria Version 2. Collection method: clinical testing. Allele origin: germline. Affected: yes. Observed: 1 variant allele.
Comment: SUCLA2: BP4, BP7